The following is an entry in ClinVar:

NM_004415.4(DSP):c.5680A>C (p.Ser1894Arg)

Gene: DSP (desmoplakin; plus strand). Cytogenetic location: 6p24.3.
Variant type: single nucleotide variant.
Coding change: c.5680A>C on transcript NM_004415.4 (MANE Select); coding-DNA position 5680, A replaced by C.
Protein change: p.Ser1894Arg; replaces serine 1894 with arginine.
Molecular consequence: missense variant.
Genome position (GRCh38, 1-based): chr6:7,582,942, A>C. VCF-style: chr6-7582942-A-C. GRCh37 (hg19) VCF-style: chr6-7583175-A-C.
Other names: c.3883A>C, p.Ser1295Arg (NM_001008844.3); c.4351A>C, p.Ser1451Arg (NM_001319034.2); short protein forms S1295R, S1894R, S1451R.
Identifiers: ClinVar variation 1895478 (VCV001895478.5), dbSNP rs2533937033, ClinGen allele CA362689172.

ClinVar aggregate classification (germline): Uncertain significance (1 of 4 stars; one submission).

Conditions:
Arrhythmogenic cardiomyopathy with wooly hair and keratoderma. Also called: PALMOPLANTAR KERATODERMA WITH LEFT VENTRICULAR CARDIOMYOPATHY AND WOOLLY HAIR; Carvajal syndrome; Arrhythmogenic cardiomyopathy with woolly hair and keratoderma; Dilated cardiomyopathy with woolly hair and keratoderma. Identifiers: Orphanet 65282, MedGen C1854063, MONDO:0011581, OMIM 605676.
Arrhythmogenic right ventricular dysplasia 8 (ARVD8). Also called: ARRHYTHMOGENIC RIGHT VENTRICULAR DYSPLASIA, FAMILIAL, 8; Arrhythmogenic Right Ventricular Dysplasia/Cardiomyopathy 8; ARRHYTHMOGENIC RIGHT VENTRICULAR CARDIOMYOPATHY 8. Identifiers: MedGen C1843896, MONDO:0011831, OMIM 607450.

Allele frequency attached by ClinVar (database versions not stated): gnomAD exomes below 0.00001.
gnomAD v4.1: 1 of 1,614,128 alleles (0.000062%); highest among the groups gnomAD compares: Non-Finnish European, 0.000085%; no homozygotes.

Submission:

Labcorp Genetics (formerly Invitae), Labcorp
Classification: Uncertain significance for Arrhythmogenic cardiomyopathy with wooly hair and keratoderma; Arrhythmogenic right ventricular dysplasia 8. Last evaluated: 2026-01-15. Review status: criteria provided, single submitter. Criteria: Invitae Variant Classification Sherloc (09022015). Collection method: clinical testing. Allele origin: germline.
Comment: This sequence change replaces serine, which is neutral and polar, with arginine, which is basic and polar, at codon 1894 of the DSP protein (p.Ser1894Arg). This variant is not present in population databases (gnomAD no frequency). This variant has not been reported in the literature in individuals affected with DSP-related conditions. ClinVar contains an entry for this variant (Variation ID: 1895478). An algorithm developed to predict the effect of missense changes on protein structure and function (PolyPhen-2) suggests that this variant is likely to be tolerated. In summary, the available evidence is currently insufficient to determine the role of this variant in disease. Therefore, it has been classified as a Variant of Uncertain Significance.